The following is an entry in ClinVar:

NM_001040142.2(SCN2A):c.1027G>T (p.Asp343Tyr)

Gene: SCN2A (sodium voltage-gated channel alpha subunit 2; plus strand). Cytogenetic location: 2q24.3.
Variant type: single nucleotide variant.
Coding change: c.1027G>T on transcript NM_001040142.2 (MANE Select); coding-DNA position 1027, G replaced by T.
Protein change: p.Asp343Tyr; replaces aspartic acid 343 with tyrosine.
Molecular consequence: missense variant.
Genome position (GRCh38, 1-based): chr2:165,312,081, G>T. VCF-style: chr2-165312081-G-T. GRCh37 (hg19) VCF-style: chr2-166168591-G-T.
Other names: p.D343Y:GAT>TAT; c.1027G>T, p.Asp343Tyr (NM_001040143.2, NM_001371246.1, NM_001371247.1 and 1 more transcripts); short protein forms D343Y.
Identifiers: ClinVar variation 207046 (VCV000207046.2), dbSNP rs796053175, ClinGen allele CA318095.

ClinVar aggregate classification (germline): Pathogenic (1 of 4 stars; one submission).

Submission:

GeneDx
Classification: Pathogenic. Last evaluated: 2017-02-24. Review status: criteria provided, single submitter. Criteria: GeneDx Variant Classification (06012015). Collection method: clinical testing. Allele origin: germline. Affected: yes.
Comment: The D343Y variant in the SCN2A gene has not been published as a pathogenic variant, nor has it been reported as a benign variant to our knowledge. However, different pathogenic variants at the same position (D343H, D343V) have been identified at GeneDx in individuals with seizures. The D343Y variant is not observed in large population cohorts (Lek et al., 2016; 1000 Genomes Consortium et al., 2015; Exome Variant Server). The D343Y variant is a non-conservative amino acid substitution, which is likely to impact secondary protein structure as these residues differ in polarity, charge, size and/or other properties. This substitution occurs at a position that is conserved in mammals and is predicted to be within the pore forming loop between the S5 and S6 transmembrane segments of the first homologous domain. In silico analysis predicts this variant is probably damaging to the protein structure/function.